The following is an entry in ClinVar:

ClinVar aggregate classification (germline): Pathogenic (1 of 4 stars; one submission).

Allele frequency attached by ClinVar (database versions not stated): gnomAD exomes below 0.00001.
gnomAD v4.1: 1 of 1,614,194 alleles (0.000062%); no homozygotes.

Submission:

Labcorp Genetics (formerly Invitae), Labcorp
Classification: Pathogenic. Last evaluated: 2022-03-01. Review status: criteria provided, single submitter. Criteria: Invitae Variant Classification Sherloc (09022015). Collection method: clinical testing. Allele origin: germline.
Comment: For these reasons, this variant has been classified as Pathogenic. This variant disrupts a region of the ASXL1 protein in which other variant(s) (p.Glu1400*) have been determined to be pathogenic (PMID: 31969346). This suggests that this is a clinically significant region of the protein, and that variants that disrupt it are likely to be disease-causing. This variant has not been reported in the literature in individuals affected with ASXL1-related conditions. This variant is not present in population databases (gnomAD no frequency). This sequence change creates a premature translational stop signal (p.Gln1195*) in the ASXL1 gene. While this is not anticipated to result in nonsense mediated decay, it is expected to disrupt the last 347 amino acid(s) of the ASXL1 protein.

Literature cited by the submitters: PubMed 31969346.

NM_015338.6(ASXL1):c.3583C>T (p.Gln1195Ter)

Gene: ASXL1 (ASXL transcriptional regulator 1; plus strand). Cytogenetic location: 20q11.21.
Variant type: single nucleotide variant.
Coding change: c.3583C>T on transcript NM_015338.6 (MANE Select); coding-DNA position 3583, C replaced by T.
Protein change: p.Gln1195Ter; replaces glutamine 1195 with a stop codon.
Molecular consequence: nonsense.
Genome position (GRCh38, 1-based): chr20:32,436,295, C>T. VCF-style: chr20-32436295-C-T. GRCh37 (hg19) VCF-style: chr20-31024098-C-T.
Other names: c.3400C>T, p.Gln1134Ter (NM_001363734.1); short protein forms Q1195*, Q1134*.
Identifiers: ClinVar variation 1923411 (VCV001923411.5), dbSNP rs2515582457, ClinGen allele CA408563364.